The following is an entry in ClinVar:

NM_000722.4(CACNA2D1):c.2142C>G (p.Ile714Met)

Gene: CACNA2D1 (calcium voltage-gated channel auxiliary subunit alpha2delta 1; minus strand). Cytogenetic location: 7q21.11.
Variant type: single nucleotide variant.
Coding change: c.2142C>G on transcript NM_000722.4 (MANE Select); coding-DNA position 2142, C replaced by G.
Protein change: p.Ile714Met; replaces isoleucine 714 with methionine.
Molecular consequence: missense variant.
Genome position (GRCh38, 1-based): chr7:81,970,737, G>C on the plus strand (C>G on the coding strand, the complement: CACNA2D1 is on the minus strand). VCF-style: chr7-81970737-G-C. GRCh37 (hg19) VCF-style: chr7-81600053-G-C.
Other names: c.2178C>G, p.Ile726Met (NM_001366867.1); c.2142C>G (NM_000722.2); short protein forms I714M, I726M.
Identifiers: ClinVar variation 411090 (VCV000411090.11), dbSNP rs745501384, ClinGen allele CA4317718.

ClinVar aggregate classification (germline): Uncertain significance. Review status: criteria provided, multiple submitters, no conflicts (2 of 4 stars). 2 submissions from 2 submitters: Uncertain significance (2). Last evaluated 2025-10-24.

Conditions:
Cardiovascular phenotype. Identifiers: MedGen CN230736.
Brugada syndrome. Also called: Sudden unexpected nocturnal death syndrome; Sudden Unexplained Death Syndrome; Sudden Unexplained Nocturnal Death Syndrome (SUNDS); Sudden unexplained nocturnal death syndrome. Identifiers: Orphanet 130, MedGen C1142166, MONDO:0015263.

gnomAD v4.1: 9 of 1,568,916 alleles (0.00057%); highest among the groups gnomAD compares: South Asian, 0.0011%; no homozygotes.

Submissions (2):

Ambry Genetics
Classification: Uncertain significance for Cardiovascular phenotype. Last evaluated: 2025-10-24. Review status: criteria provided, single submitter. Criteria: Ambry Variant Classification Scheme 2023. Collection method: clinical testing. Allele origin: germline.

Labcorp Genetics (formerly Invitae), Labcorp
Classification: Uncertain significance for Brugada syndrome. Last evaluated: 2021-01-05. Review status: criteria provided, single submitter. Criteria: Invitae Variant Classification Sherloc (09022015). Collection method: clinical testing. Allele origin: germline.
Comment: In summary, the available evidence is currently insufficient to determine the role of this variant in disease. Therefore, it has been classified as a Variant of Uncertain Significance. Algorithms developed to predict the effect of missense changes on protein structure and function are either unavailable or do not agree on the potential impact of this missense change (SIFT: "Tolerated"; PolyPhen-2: "Not Available"; Align-GVGD: "Class C0"). This variant has not been reported in the literature in individuals with CACNA2D1-related conditions. ClinVar contains an entry for this variant (Variation ID: 411090). This variant is present in population databases (rs745501384, ExAC 0.003%). This sequence change replaces isoleucine with methionine at codon 714 of the CACNA2D1 protein (p.Ile714Met). The isoleucine residue is weakly conserved and there is a small physicochemical difference between isoleucine and methionine.